The following is an entry in ClinVar:

ClinVar aggregate classification (germline): Uncertain significance (1 of 4 stars; one submission).

Conditions:
Cardiovascular phenotype. Identifiers: MedGen CN230736.

Submission:

Ambry Genetics
Classification: Uncertain significance for Cardiovascular phenotype. Last evaluated: 2022-06-27. Review status: criteria provided, single submitter. Criteria: Ambry Variant Classification Scheme 2023. Collection method: clinical testing. Allele origin: germline.
Comment: The p.D937N variant (also known as c.2809G>A), located in coding exon 1 of the ZNF469 gene, results from a G to A substitution at nucleotide position 2809. The aspartic acid at codon 937 is replaced by asparagine, an amino acid with highly similar properties. This amino acid position is conserved. In addition, this alteration is predicted to be tolerated by in silico analysis. Since supporting evidence is limited at this time, the clinical significance of this alteration remains unclear.

NM_001367624.2(ZNF469):c.2809G>A (p.Asp937Asn)

Gene: ZNF469 (zinc finger protein 469; plus strand). Cytogenetic location: 16q24.2.
Variant type: single nucleotide variant.
Coding change: c.2809G>A on transcript NM_001367624.2 (MANE Select); coding-DNA position 2809, G replaced by A.
Protein change: p.Asp937Asn; replaces aspartic acid 937 with asparagine.
Molecular consequence: missense variant.
Genome position (GRCh38, 1-based): chr16:88,430,279, G>A. VCF-style: chr16-88430279-G-A. GRCh37 (hg19) VCF-style: chr16-88496687-G-A.
Other names: NM_001127464.1:c.2809G>A; short protein forms D937N.
Identifiers: ClinVar variation 1796297 (VCV001796297.2), dbSNP rs1906050066, ClinGen allele CA397075599.
Genomic context (GRCh38, chr16:88,430,279, plus strand): 5'-GGCTGCCCAGCCCGAGGCAGGCCCAAAACGCGTTCCCTGGGTCTGGCCCCCACCGAGGCG[G>A]ATGCGCCCAGCCAGGGCAGGCAGCAGAGGAGGGGGAAGCAGTTGAAGCTGTTCCGGAAGG-3'
Protein context (NP_001354553.1, residues 927-947): RSLGLAPTEA[Asp937Asn]APSQGRQQRR